The following is an entry in ClinVar:

ClinVar aggregate classification (germline): Benign/Likely benign. Review status: criteria provided, multiple submitters, no conflicts (2 of 4 stars). 5 submissions from 5 submitters: Benign (1); Likely benign (4). Last evaluated 2025-03-11.

Conditions:
Hereditary cancer-predisposing syndrome. Also called: Hereditary Cancer Syndrome; Hereditary neoplastic syndrome; Neoplastic Syndromes, Hereditary; Tumor predisposition. Identifiers: Orphanet 140162, MedGen C0027672, MeSH D009386, MONDO:0015356.
Familial adenomatous polyposis 1 (FAP1). Also called: FAMILIAL ADENOMATOUS POLYPOSIS 1, ATTENUATED; POLYPOSIS, ADENOMATOUS INTESTINAL. Identifiers: MedGen C2713442, MONDO:0021056, OMIM 175100. Disease mechanism: loss of function.

Allele frequency attached by ClinVar (database versions not stated): gnomAD exomes below 0.00001.
gnomAD v4.1: 1 of 1,602,874 alleles (0.000062%); highest among the groups gnomAD compares: East Asian, 0.0022%; no homozygotes.

Submissions (5):

Labcorp Genetics (formerly Invitae), Labcorp
Classification: Likely benign for Familial adenomatous polyposis 1. Last evaluated: 2025-03-11. Review status: criteria provided, single submitter. Criteria: Invitae Variant Classification Sherloc (09022015). Collection method: clinical testing. Allele origin: germline.

Myriad Genetics, Inc.
Classification: Benign for Familial adenomatous polyposis 1. Last evaluated: 2024-04-15. Review status: criteria provided, single submitter. Criteria: Myriad Autosomal Dominant, Autosomal Recessive and X-Linked Classification Criteria (2023). Collection method: clinical testing. Allele origin: unknown.
Comment: This variant is considered benign. This variant is a silent/synonymous amino acid change and it is not expected to impact splicing.

Color Diagnostics, LLC DBA Color Health
Classification: Likely benign for Hereditary cancer-predisposing syndrome. Last evaluated: 2023-12-11. Review status: criteria provided, single submitter. Criteria: ACMG Guidelines, 2015. Collection method: clinical testing. Allele origin: germline.

Ambry Genetics
Classification: Likely benign for Hereditary cancer-predisposing syndrome. Last evaluated: 2019-08-09. Review status: criteria provided, single submitter. Criteria: Ambry Variant Classification Scheme 2023. Collection method: clinical testing. Allele origin: germline.

GeneDx
Classification: Likely benign. Last evaluated: 2016-05-25. Review status: criteria provided, single submitter. Criteria: GeneDx Variant Classification (06012015). Collection method: clinical testing. Allele origin: germline. Affected: yes.
Comment: This variant is considered likely benign or benign based on one or more of the following criteria: it is a conservative change, it occurs at a poorly conserved position in the protein, it is predicted to be benign by multiple in silico algorithms, and/or has population frequency not consistent with disease.

NM_000038.6(APC):c.8430T>C (p.Asn2810=)

Gene: APC (APC regulator of Wnt signaling pathway; plus strand). Cytogenetic location: 5q22.2.
Variant type: single nucleotide variant.
Coding change: c.8430T>C on transcript NM_000038.6 (MANE Select); coding-DNA position 8430, T replaced by C.
Protein change: p.Asn2810=; no amino-acid change (asparagine 2810 retained).
Molecular consequence: synonymous variant.
Genome position (GRCh38, 1-based): chr5:112,844,024, T>C. VCF-style: chr5-112844024-T-C. GRCh37 (hg19) VCF-style: chr5-112179721-T-C.
Other names: c.8430T>C, p.Asn2810= (NM_001127510.3, NM_001354895.2); c.8376T>C, p.Asn2792= (NM_001127511.3); c.8484T>C, p.Asn2828= (NM_001354896.2); c.8460T>C, p.Asn2820= (NM_001354897.2); c.8355T>C, p.Asn2785= (NM_001354898.2); c.8346T>C, p.Asn2782= (NM_001354899.2); c.8307T>C, p.Asn2769= (NM_001354900.2); c.8253T>C, p.Asn2751= (NM_001354901.2); and 5 more.
Identifiers: ClinVar variation 385938 (VCV000385938.13), dbSNP rs1057522374, ClinGen allele CA16604811.